The following is an entry in ClinVar:

NM_015915.5(ATL1):c.1030_1040del (p.Pro344fs)

Gene: ATL1 (atlastin GTPase 1; plus strand). Cytogenetic location: 14q22.1.
Variant type: Deletion.
Coding change: c.1030_1040del on transcript NM_015915.5 (MANE Select); coding-DNA positions 1030 to 1040, 11 bases deleted (CCCAAATCCAT).
Protein change: p.Pro344fs; shifts the reading frame from proline 344.
Molecular consequence: frameshift variant.
Genome position (GRCh38, 1-based): chr14:50,621,882-50,621,892, CCCAAATCCAT deleted; deleting any 11 consecutive bases within chr14:50,621,879-50,621,892 gives the same sequence; the c. name uses the placement nearest the transcript's 3' end. VCF-style (leftmost placement, unchanged base first): chr14-50621878-ACATCCCAAATC-A. GRCh37 (hg19) VCF-style: chr14-51088596-ACATCCCAAATC-A.
Other names: c.1030_1040del, p.Pro344fs (NM_001127713.1, NM_181598.4); short protein forms P344fs.
Identifiers: ClinVar variation 2826561 (VCV002826561.3), dbSNP rs2504560480, ClinGen allele CA2739279008.

ClinVar aggregate classification (germline): Pathogenic (1 of 4 stars; one submission).

Conditions:
Hereditary spastic paraplegia 3A (SPG3A). Also called: Spastic paraplegia 3A, autosomal dominant; SPASTIC PARAPLEGIA 3, AUTOSOMAL DOMINANT; FAMILIAL SPASTIC PARAPLEGIA, AUTOSOMAL DOMINANT, 1; SPG3; STRUMPELL DISEASE; Spastic Paraplegia 3A. Identifiers: Orphanet 100984, MedGen C2931355, MONDO:0008437, OMIM 182600.

Submission:

Labcorp Genetics (formerly Invitae), Labcorp
Classification: Pathogenic for Hereditary spastic paraplegia 3A. Last evaluated: 2023-01-06. Review status: criteria provided, single submitter. Criteria: Invitae Variant Classification Sherloc (09022015). Collection method: clinical testing. Allele origin: germline.
Comment: For these reasons, this variant has been classified as Pathogenic. This variant has not been reported in the literature in individuals affected with ATL1-related conditions. This variant is not present in population databases (gnomAD no frequency). This sequence change creates a premature translational stop signal (p.Pro344Valfs*8) in the ATL1 gene. It is expected to result in an absent or disrupted protein product. Loss-of-function variants in ATL1 are known to be pathogenic (PMID: 26888483).

Literature cited by the submitters: PubMed 26888483.